The following is an entry in ClinVar:

ClinVar aggregate classification (germline): Uncertain significance. Review status: criteria provided, single submitter (1 of 4 stars). 2 submissions from 2 submitters: Uncertain significance (1). 1 of the submissions does not count toward it. Last evaluated 2022-05-03.

Conditions:
Usher syndrome type 2A. Also called: RETINAL DISEASE IN USHER SYNDROME TYPE IIA, MODIFIER OF; USHER SYNDROME, TYPE IIA. Identifiers: Orphanet 231178, Orphanet 886, MedGen C1848634, MONDO:0010169, OMIM 276901.

gnomAD v4.1: 1 of 1,614,148 alleles (0.000062%); highest among the groups gnomAD compares: Admixed American, 0.0017%; no homozygotes.

Submissions (2):

Labcorp Genetics (formerly Invitae), Labcorp
Classification: Uncertain significance. Last evaluated: 2022-05-03. Review status: criteria provided, single submitter. Criteria: Invitae Variant Classification Sherloc (09022015). Collection method: clinical testing. Allele origin: germline.
Comment: This sequence change replaces isoleucine, which is neutral and non-polar, with leucine, which is neutral and non-polar, at codon 1157 of the USH2A protein (p.Ile1157Leu). This variant is not present in population databases (gnomAD no frequency). This variant has not been reported in the literature in individuals affected with USH2A-related conditions. Algorithms developed to predict the effect of missense changes on protein structure and function are either unavailable or do not agree on the potential impact of this missense change (SIFT: "Deleterious"; PolyPhen-2: "Benign"; Align-GVGD: "Class C0"). In summary, the available evidence is currently insufficient to determine the role of this variant in disease. Therefore, it has been classified as a Variant of Uncertain Significance.

Natera, Inc.
Classification: Uncertain significance for Usher syndrome type 2A. Last evaluated: 2025-01-09. Review status: no assertion criteria provided. Collection method: clinical testing. Allele origin: germline. Not counted in ClinVar's aggregate classification.

NM_206933.4(USH2A):c.3469A>C (p.Ile1157Leu)

Genes: USH2A (usherin; minus strand), USH2A-AS1 (USH2A antisense RNA 1; plus strand). Cytogenetic location: 1q41.
Variant type: single nucleotide variant.
Coding change: c.3469A>C on transcript NM_206933.4 (MANE Select); coding-DNA position 3469, A replaced by C.
Protein change: p.Ile1157Leu; replaces isoleucine 1157 with leucine.
Molecular consequence: missense variant.
Genome position (GRCh38, 1-based): chr1:216,199,969, T>G on the plus strand (A>C on the coding strand, the complement: USH2A is on the minus strand). VCF-style: chr1-216199969-T-G. GRCh37 (hg19) VCF-style: chr1-216373311-T-G.
Other names: c.3469A>C, p.Ile1157Leu (NM_007123.6); c.3469A>C (NM_206933.2); short protein forms I1157L.
Identifiers: ClinVar variation 1403710 (VCV001403710.4), dbSNP rs773317776, ClinGen allele CA344868521.